The following is an entry in ClinVar:

ClinVar aggregate classification (germline): Uncertain significance (1 of 4 stars; one submission).

Submission:

GeneDx
Classification: Uncertain significance. Last evaluated: 2023-05-05. Review status: criteria provided, single submitter. Criteria: GeneDx Variant Classification Process June 2021. Collection method: clinical testing. Allele origin: germline. Affected: yes.
Comment: Not observed at significant frequency in large population cohorts (gnomAD); In silico analysis supports that this missense variant has a deleterious effect on protein structure/function; Has not been previously published as pathogenic or benign to our knowledge

NM_015559.3(SETBP1):c.1676C>G (p.Pro559Arg)

Gene: SETBP1 (SET binding protein 1; plus strand). Cytogenetic location: 18q12.3.
Variant type: single nucleotide variant.
Coding change: c.1676C>G on transcript NM_015559.3 (MANE Select); coding-DNA position 1676, C replaced by G.
Protein change: p.Pro559Arg; replaces proline 559 with arginine.
Molecular consequence: missense variant.
Genome position (GRCh38, 1-based): chr18:44,951,016, C>G. VCF-style: chr18-44951016-C-G. GRCh37 (hg19) VCF-style: chr18-42530981-C-G.
Other names: c.1676C>G, p.Pro559Arg (NM_001379141.1, NM_001379142.1, NM_001410862.1); short protein forms P559R.
Identifiers: ClinVar variation 2662922 (VCV002662922.1), dbSNP rs2071336173, ClinGen allele CA402319084.
Genomic context (GRCh38, chr18:44,951,016, plus strand): 5'-CTAGCACCATGCTTCGAGAGGCAGTTATGGCCACCTCTGATAAACTGATGCTGGAGCCCC[C>G]GTCTGCATATCCCATCACCCCATCCAGCCCTCTCTACACCAACACAGACAGTCTTACTGT-3'
Protein context (NP_056374.2, residues 549-569): ATSDKLMLEP[Pro559Arg]SAYPITPSSP